The following is an entry in ClinVar:

NM_000459.5(TEK):c.605C>G (p.Ala202Gly)

Gene: TEK (TEK receptor tyrosine kinase; plus strand). Cytogenetic location: 9p21.2.
Variant type: single nucleotide variant.
Coding change: c.605C>G on transcript NM_000459.5 (MANE Select); coding-DNA position 605, C replaced by G.
Protein change: p.Ala202Gly; replaces alanine 202 with glycine.
Molecular consequence: missense variant.
Genome position (GRCh38, 1-based): chr9:27,169,606, C>G. VCF-style: chr9-27169606-C-G. GRCh37 (hg19) VCF-style: chr9-27169604-C-G.
Other names: c.605C>G, p.Ala202Gly (NM_001290077.2, NM_001375475.1, NM_001375476.1); c.293C>G, p.Ala98Gly (NM_001290078.2); short protein forms A202G, A98G.
Identifiers: ClinVar variation 3368368 (VCV003368368.1).

ClinVar aggregate classification (germline): Uncertain significance (1 of 4 stars; one submission).

Submission:

GeneDx
Classification: Uncertain significance. Last evaluated: 2024-02-01. Review status: criteria provided, single submitter. Criteria: GeneDx Variant Classification Process June 2021. Collection method: clinical testing. Allele origin: germline. Affected: yes.
Comment: Not observed at significant frequency in large population cohorts (gnomAD); In silico analysis supports that this missense variant does not alter protein structure/function; Has not been previously published as pathogenic or benign to our knowledge